The following is an entry in ClinVar:

ClinVar aggregate classification (germline): Uncertain significance. Review status: criteria provided, multiple submitters, no conflicts (2 of 4 stars). 5 submissions from 5 submitters: Uncertain significance (5). Last evaluated 2025-01-12.

Conditions:
Fanconi anemia (FA). Also called: Fanconi's anemia. Identifiers: Orphanet 84, MedGen C0015625, MeSH D005199, MONDO:0019391.
Fanconi anemia complementation group D2. Also called: FANCD2-Related Fanconi Anemia; FANCONI PANCYTOPENIA, TYPE 4; FANCONI ANEMIA, COMPLEMENTATION GROUP D. Identifiers: Orphanet 84, MedGen C3160738, MONDO:0009214, OMIM 227646.

Allele frequency attached by ClinVar (database versions not stated): ExAC 0.00012; gnomAD 0.00013 and 0.00014; gnomAD exomes 0.00013 and 0.00040; TOPMed 0.00014; ESP Exome Variant Server 0.00015.
gnomAD v4.1: 592 of 1,614,160 alleles (0.037%); highest among the groups gnomAD compares: Non-Finnish European, 0.047%; no homozygotes.

Submissions (5):

Labcorp Genetics (formerly Invitae), Labcorp
Classification: Uncertain significance for Fanconi anemia. Last evaluated: 2025-01-12. Review status: criteria provided, single submitter. Criteria: Invitae Variant Classification Sherloc (09022015). Collection method: clinical testing. Allele origin: germline.
Comment: This sequence change replaces aspartic acid, which is acidic and polar, with tyrosine, which is neutral and polar, at codon 645 of the FANCD2 protein (p.Asp645Tyr). This variant is present in population databases (rs146496253, gnomAD 0.02%). This variant has not been reported in the literature in individuals affected with FANCD2-related conditions. ClinVar contains an entry for this variant (Variation ID: 901485). Invitae Evidence Modeling of protein sequence and biophysical properties (such as structural, functional, and spatial information, amino acid conservation, physicochemical variation, residue mobility, and thermodynamic stability) indicates that this missense variant is not expected to disrupt FANCD2 protein function with a negative predictive value of 80%. In summary, the available evidence is currently insufficient to determine the role of this variant in disease. Therefore, it has been classified as a Variant of Uncertain Significance.

Fulgent Genetics
Classification: Uncertain significance for Fanconi anemia complementation group D2. Last evaluated: 2024-06-22. Review status: criteria provided, single submitter. Criteria: ACMG Guidelines, 2015. Collection method: clinical testing. Allele origin: germline.

GeneDx
Classification: Uncertain significance. Last evaluated: 2024-02-29. Review status: criteria provided, single submitter. Criteria: GeneDx Variant Classification Process June 2021. Collection method: clinical testing. Allele origin: germline. Affected: yes.
Comment: Observed in an individual with breast cancer (PMID: 30086788); In silico analysis supports that this missense variant has a deleterious effect on protein structure/function; This variant is associated with the following publications: (PMID: 30086788)

Institute for Clinical Genetics, University Hospital TU Dresden, University Hospital TU Dresden
Classification: Uncertain significance. Last evaluated: 2021-11-03. Review status: criteria provided, single submitter. Criteria: ACMG Guidelines, 2015. Collection method: clinical testing. Allele origin: germline.

Illumina Laboratory Services, Illumina
Classification: Uncertain significance for Fanconi anemia complementation group D2. Last evaluated: 2018-01-12. Review status: criteria provided, single submitter. Criteria: ICSL Variant Classification Criteria 13 December 2019. Collection method: clinical testing. Allele origin: germline.

NM_001018115.3(FANCD2):c.1933G>T (p.Asp645Tyr)

Genes: FANCD2 (FA complementation group D2; plus strand), LOC107303338 (3p25 FANCD2 Alu-mediated recombination region; plus strand). Cytogenetic location: 3p25.3.
Variant type: single nucleotide variant.
Coding change: c.1933G>T on transcript NM_001018115.3 (MANE Select); coding-DNA position 1933, G replaced by T.
Protein change: p.Asp645Tyr; replaces aspartic acid 645 with tyrosine.
Molecular consequence: missense variant.
Genome position (GRCh38, 1-based): chr3:10,063,897, G>T. VCF-style: chr3-10063897-G-T. GRCh37 (hg19) VCF-style: chr3-10105581-G-T.
Other names: c.1933G>T, p.Asp645Tyr (NM_001319984.2, NM_001374254.1, NM_033084.6); c.1822G>T, p.Asp608Tyr (NM_001374253.1); short protein forms D608Y, D645Y.
Identifiers: ClinVar variation 901485 (VCV000901485.15), dbSNP rs146496253, ClinGen allele CA2249874.